The following is an entry in ClinVar:

NM_001397406.1(FDX2):c.22G>A (p.Gly8Arg)

Genes: FDX2 (ferredoxin 2; minus strand), FDX2-ZGLP1 (FDX2-ZGLP1 readthrough (NMD candidate); minus strand). Cytogenetic location: 19p13.2.
Variant type: single nucleotide variant.
Coding change: c.22G>A on transcript NM_001397406.1 (MANE Select); coding-DNA position 22, G replaced by A.
Protein change: p.Gly8Arg; replaces glycine 8 with arginine.
Molecular consequence: missense variant.
Genome position (GRCh38, 1-based): chr19:10,315,975, C>T on the plus strand (G>A on the coding strand, the complement: FDX2 is on the minus strand). VCF-style: chr19-10315975-C-T. GRCh37 (hg19) VCF-style: chr19-10426651-C-T.
Other names: short protein forms G8R.
Identifiers: ClinVar variation 1391773 (VCV001391773.5), dbSNP rs138738791, ClinGen allele CA9191374.

ClinVar aggregate classification (germline): Uncertain significance. Review status: criteria provided, multiple submitters, no conflicts (2 of 4 stars). 2 submissions from 2 submitters: Uncertain significance (2). Last evaluated 2026-01-05.

Allele frequency attached by ClinVar (database versions not stated): gnomAD 0.00005 and 0.00007; gnomAD exomes 0.00006 and 0.00012; TOPMed 0.00006; ESP Exome Variant Server 0.00008; ExAC 0.00009; 1000 Genomes Project 0.00020; 1000 Genomes Project 30x 0.00047.
gnomAD v4.1: 101 of 1,609,506 alleles (0.0063%); highest among the groups gnomAD compares: Admixed American, 0.043%; no homozygotes.

Submissions (2):

Labcorp Genetics (formerly Invitae), Labcorp
Classification: Uncertain significance. Last evaluated: 2026-01-05. Review status: criteria provided, single submitter. Criteria: Invitae Variant Classification Sherloc (09022015). Collection method: clinical testing. Allele origin: germline.
Comment: This sequence change replaces glycine, which is neutral and non-polar, with arginine, which is basic and polar, at codon 11 of the FDX2 protein (p.Gly11Arg). This variant is present in population databases (rs138738791, gnomAD 0.05%). This variant has not been reported in the literature in individuals affected with FDX2-related conditions. ClinVar contains an entry for this variant (Variation ID: 1391773). An algorithm developed to predict the effect of missense changes on protein structure and function outputs the following: PolyPhen-2: "Not Available". The arginine amino acid residue is found in multiple mammalian species, which suggests that this missense change does not adversely affect protein function. In summary, the available evidence is currently insufficient to determine the role of this variant in disease. Therefore, it has been classified as a Variant of Uncertain Significance.

Blueprint Genetics
Classification: Uncertain significance. Last evaluated: 2024-11-01. Review status: criteria provided, single submitter. Criteria: ACMG Guidelines, 2015. Collection method: clinical testing. Allele origin: germline.